The following is an entry in ClinVar:

ClinVar aggregate classification (germline): Conflicting classifications of pathogenicity. Review status: criteria provided, conflicting classifications (1 of 4 stars). 3 submissions from 3 submitters: Uncertain significance (2); Likely benign (1). Last evaluated 2025-05-18.

Conditions:
Inborn genetic diseases. Identifiers: MedGen C0950123, MeSH D030342.

Allele frequency attached by ClinVar (database versions not stated): gnomAD 0.00001; gnomAD exomes 0.00001; TOPMed 0.00001.
gnomAD v4.1: 11 of 1,614,032 alleles (0.00068%); highest among the groups gnomAD compares: South Asian, 0.0033%; no homozygotes.

Submissions (3):

Labcorp Genetics (formerly Invitae), Labcorp
Classification: Uncertain significance. Last evaluated: 2025-05-18. Review status: criteria provided, single submitter. Criteria: Invitae Variant Classification Sherloc (09022015). Collection method: clinical testing. Allele origin: germline.
Comment: This sequence change replaces arginine, which is basic and polar, with glutamine, which is neutral and polar, at codon 3744 of the KMT2A protein (p.Arg3744Gln). This variant is present in population databases (no rsID available, gnomAD 0.003%). This variant has not been reported in the literature in individuals affected with KMT2A-related conditions. ClinVar contains an entry for this variant (Variation ID: 1428137). Invitae Evidence Modeling of protein sequence and biophysical properties (such as structural, functional, and spatial information, amino acid conservation, physicochemical variation, residue mobility, and thermodynamic stability) indicates that this missense variant is not expected to disrupt KMT2A protein function with a negative predictive value of 95%. In summary, the available evidence is currently insufficient to determine the role of this variant in disease. Therefore, it has been classified as a Variant of Uncertain Significance.

Ambry Genetics
Classification: Likely benign for Inborn genetic diseases. Last evaluated: 2023-09-22. Review status: criteria provided, single submitter. Criteria: Ambry Variant Classification Scheme 2023. Collection method: clinical testing. Allele origin: germline.

Blueprint Genetics
Classification: Uncertain significance. Last evaluated: 2020-08-26. Review status: criteria provided, single submitter. Criteria: ACMG Guidelines, 2015. Collection method: clinical testing. Allele origin: germline.

NM_001197104.2(KMT2A):c.11231G>A (p.Arg3744Gln)

Genes: KMT2A (lysine methyltransferase 2A; plus strand), TTC36-AS1 (TTC36 and KMT2A antisense RNA 1; minus strand). Cytogenetic location: 11q23.3.
Variant type: single nucleotide variant.
Coding change: c.11231G>A on transcript NM_001197104.2 (MANE Select); coding-DNA position 11231, G replaced by A.
Protein change: p.Arg3744Gln; replaces arginine 3744 with glutamine.
Molecular consequence: missense variant.
Genome position (GRCh38, 1-based): chr11:118,519,702, G>A. VCF-style: chr11-118519702-G-A. GRCh37 (hg19) VCF-style: chr11-118390417-G-A.
Other names: c.11231G>A (NM_001197104.1); c.11222G>A, p.Arg3741Gln (NM_005933.4); short protein forms R3741Q, R3744Q.
Identifiers: ClinVar variation 1428137 (VCV001428137.10), dbSNP rs1342425133, ClinGen allele CA382832679.
Genomic context (GRCh38, chr11:118,519,702, plus strand): 5'-GGATTCTCCATGATGCAGTTGTGTTCCTCATTGAGCAGCTGTCTGGTGCCAAGCACTGTC[G>A]AAATTACAAATTCCGTTTCCACAAGCCAGAGGAGGCCAATGAACCCCCCTTGAACCCTCA-3'
Protein context (NP_001184033.1, residues 3734-3754): IEQLSGAKHC[Arg3744Gln]NYKFRFHKPE